The following is an entry in ClinVar:

ClinVar aggregate classification (germline): Uncertain significance (1 of 4 stars; one submission).

gnomAD v4.1: 1 of 1,613,710 alleles (0.000062%); highest among the groups gnomAD compares: South Asian, 0.0011%; no homozygotes.

Submission:

Athena Diagnostics
Classification: Uncertain significance. Last evaluated: 2024-12-11. Review status: criteria provided, single submitter. Criteria: Athena Diagnostics Criteria. Collection method: clinical testing. Allele origin: unknown.
Comment: Available data are insufficient to determine the clinical significance of the variant at this time. This variant has not been reported in large, multi-ethnic general populations. Polyphen and MutationTaster predict this amino acid change may be damaging to the protein.

NM_004820.5(CYP7B1):c.940G>A (p.Ala314Thr)

Gene: CYP7B1 (cytochrome P450 family 7 subfamily B member 1; minus strand). Cytogenetic location: 8q12.3.
Variant type: single nucleotide variant.
Coding change: c.940G>A on transcript NM_004820.5 (MANE Select); coding-DNA position 940, G replaced by A.
Protein change: p.Ala314Thr; replaces alanine 314 with threonine.
Molecular consequence: missense variant.
Genome position (GRCh38, 1-based): chr8:64,615,143, C>T on the plus strand (G>A on the coding strand, the complement: CYP7B1 is on the minus strand). VCF-style: chr8-64615143-C-T. GRCh37 (hg19) VCF-style: chr8-65527700-C-T.
Other names: c.940G>A, p.Ala314Thr (NM_001324112.2); short protein forms A314T.
Identifiers: ClinVar variation 4682201 (VCV004682201.1).